The following is an entry in ClinVar:

ClinVar aggregate classification (germline): Uncertain significance (1 of 4 stars; one submission).

Allele frequency attached by ClinVar (database versions not stated): gnomAD exomes 0.00001; ExAC 0.00004.
gnomAD v4.1: 19 of 1,558,452 alleles (0.0012%); highest among the groups gnomAD compares: Non-Finnish European, 0.0016%; no homozygotes.

Submission:

Labcorp Genetics (formerly Invitae), Labcorp
Classification: Uncertain significance. Last evaluated: 2022-03-11. Review status: criteria provided, single submitter. Criteria: Invitae Variant Classification Sherloc (09022015). Collection method: clinical testing. Allele origin: germline.
Comment: In summary, the available evidence is currently insufficient to determine the role of this variant in disease. Therefore, it has been classified as a Variant of Uncertain Significance. Algorithms developed to predict the effect of missense changes on protein structure and function are either unavailable or do not agree on the potential impact of this missense change (SIFT: "Deleterious"; PolyPhen-2: "Benign"; Align-GVGD: "Class C0"). This variant has not been reported in the literature in individuals affected with SPEG-related conditions. The frequency data for this variant in the population databases is considered unreliable, as metrics indicate poor data quality at this position in the gnomAD database. This sequence change replaces serine, which is neutral and polar, with phenylalanine, which is neutral and non-polar, at codon 754 of the SPEG protein (p.Ser754Phe).

NM_005876.5(SPEG):c.2261C>T (p.Ser754Phe)

Gene: SPEG (striated muscle enriched protein kinase; plus strand). Cytogenetic location: 2q35.
Variant type: single nucleotide variant.
Coding change: c.2261C>T on transcript NM_005876.5 (MANE Select); coding-DNA position 2261, C replaced by T.
Protein change: p.Ser754Phe; replaces serine 754 with phenylalanine.
Molecular consequence: missense variant.
Genome position (GRCh38, 1-based): chr2:219,451,628, C>T. VCF-style: chr2-219451628-C-T. GRCh37 (hg19) VCF-style: chr2-220316350-C-T.
Other names: short protein forms S754F.
Identifiers: ClinVar variation 2414325 (VCV002414325.6), dbSNP rs776110072, ClinGen allele CA2125804.